The following is an entry in ClinVar:

ClinVar aggregate classification (germline): Likely benign. Review status: criteria provided, single submitter (1 of 4 stars). 2 submissions from 2 submitters: Likely benign (1). 1 of the submissions does not count toward it. Last evaluated 2026-04-21.

Conditions:
CNTNAP1-related disorder. Also called: CNTNAP1-related disease; CNTNAP1-related condition.

Allele frequency attached by ClinVar (database versions not stated): gnomAD 0.00001; TOPMed 0.00002.
gnomAD v4.1: 26 of 1,604,400 alleles (0.0016%); highest among the groups gnomAD compares: Admixed American, 0.0084%; no homozygotes.

Submissions (3):

Women's Health and Genetics/Laboratory Corporation of America, LabCorp
Classification: Likely benign. Last evaluated: 2026-04-21. Review status: criteria provided, single submitter. Criteria: LabCorp Variant Classification Summary - May 2015. Collection method: clinical testing. Allele origin: germline.

PreventionGenetics, part of Exact Sciences
Classification: Likely benign for CNTNAP1-related condition. Last evaluated: 2019-07-24. Review status: no assertion criteria provided. Collection method: clinical testing. Allele origin: germline. Not counted in ClinVar's aggregate classification.
Comment: This variant is classified as likely benign based on ACMG/AMP sequence variant interpretation guidelines (Richards et al. 2015 PMID: 25741868, with internal and published modifications).

Dr. Peter K. Rogan Lab, Western University
No classification provided (evidence only). Condition: Malignant tumor of esophagus. Review status: no classification provided. Collection method: in vitro. Allele origin: not applicable. Functional consequence: retained intron. Not counted in ClinVar's aggregate classification.

NM_003632.3(CNTNAP1):c.3015G>A (p.Pro1005=)

Gene: CNTNAP1 (contactin associated protein 1; plus strand). Cytogenetic location: 17q21.2.
Variant type: single nucleotide variant.
Coding change: c.3015G>A on transcript NM_003632.3 (MANE Select); coding-DNA position 3015, G replaced by A.
Protein change: p.Pro1005=; no amino-acid change (proline 1005 retained).
Molecular consequence: synonymous variant.
Genome position (GRCh38, 1-based): chr17:42,695,543, G>A. VCF-style: chr17-42695543-G-A. GRCh37 (hg19) VCF-style: chr17-40847561-G-A.
Other names: NC_000017.10:g.40847561G>A.
Identifiers: ClinVar variation 3049413 (VCV003049413.4), dbSNP rs775278930, ClinGen allele CA8582226.